The following is an entry in ClinVar:

ClinVar aggregate classification (germline): Conflicting classifications of pathogenicity. Review status: criteria provided, conflicting classifications (1 of 4 stars). 2 submissions from 2 submitters: Likely pathogenic (1); Uncertain significance (1). Last evaluated 2024-03-12.

Conditions:
Maple syrup urine disease type 1A (MSUD1A). Also called: MSUD type 1A. Identifiers: MedGen C1855369, MONDO:0023691, OMIM 248600.
Maple syrup urine disease (MSUD). Identifiers: Orphanet 511, MedGen C0024776, MeSH D008375, MONDO:0009563. Disease mechanism: loss of function.

Allele frequency attached by ClinVar (database versions not stated): gnomAD exomes below 0.00001.
gnomAD v4.1: 1 of 1,492,702 alleles (0.000067%); highest among the groups gnomAD compares: Non-Finnish European, 0.000093%; no homozygotes.

Submissions (2):

Revvity Omics, Revvity
Classification: Uncertain significance for Maple syrup urine disease type 1A. Last evaluated: 2024-03-12. Review status: criteria provided, single submitter. Criteria: ACMG Guidelines, 2015. Collection method: clinical testing. Allele origin: germline.

Diagnostics Services (NGS), CSIR - Centre For Cellular And Molecular Biology
Classification: Likely pathogenic for Maple syrup urine disease type 1A. Last evaluated: 2024-01-02. Review status: criteria provided, single submitter. Criteria: ACMG Guidelines, 2015. Collection method: clinical testing. Allele origin: unknown. Affected: no. Observed: 2 variant alleles, 1 heterozygote.
Comment: The c.250T>C variant is not present in publicly available population databases like 1000 Genomes, EVS, ExAC, gnomAD, Indian Exome Database and our in-house exome database. This variant has neither been published in literature with DBT-related conditions nor reported to the clinical databases like ClinVar, Human Gene Mutation Database (HGMD) or OMIM in any affected individuals. In-silico pathogenicity prediction programs like SIFT, PolyPhen-2, MutationTaster2, CADD etc predicted this variant to be likely deleterious, however these predictions were not confirmed by published functional studies. Alternative variants causing different amino acid changes (Trp84Cys, Trp84Ser) and a nonsense variant (Trp84Ter) have been previously observed in affected individuals [PMID: 20570198, 26232051, 27243974] and reported to the clinical databases as ‘pathogenic/likely pathogenic’. The variant is located near the exon-intron splice junction (splice distance- 2 bp) that may affect the splicing of the mRNA, as predicted by some in-silico tools. The variant was identified as a part of carrier screening in a couple.

NM_001918.5(DBT):c.250T>C (p.Trp84Arg)

Gene: DBT (dihydrolipoamide branched chain transacylase E2; minus strand). Cytogenetic location: 1p21.2.
Variant type: single nucleotide variant.
Coding change: c.250T>C on transcript NM_001918.5 (MANE Select); coding-DNA position 250, T replaced by C.
Protein change: p.Trp84Arg; replaces tryptophan 84 with arginine.
Molecular consequence: missense variant. On other transcripts: non-coding transcript variant (4), 5 prime UTR variant (2).
Genome position (GRCh38, 1-based): chr1:100,235,437, A>G on the plus strand (T>C on the coding strand, the complement: DBT is on the minus strand). VCF-style: chr1-100235437-A-G. GRCh37 (hg19) VCF-style: chr1-100700993-A-G.
Other names: c.-294T>C (NM_001399969.1, NM_001399972.1); c.250T>C (NM_001918.4); short protein forms W84R.
Identifiers: ClinVar variation 2683756 (VCV002683756.2), dbSNP rs113842781, ClinGen allele CA27598545.